The following is an entry in ClinVar:

ClinVar aggregate classification (germline): Uncertain significance. Review status: criteria provided, multiple submitters, no conflicts (2 of 4 stars). 2 submissions from 2 submitters: Uncertain significance (2). Last evaluated 2024-10-15.

Conditions:
Hereditary cancer-predisposing syndrome. Also called: Tumor predisposition; Hereditary neoplastic syndrome; Neoplastic Syndromes, Hereditary; Hereditary Cancer Syndrome. Identifiers: Orphanet 140162, MedGen C0027672, MeSH D009386, MONDO:0015356.

Allele frequency attached by ClinVar (database versions not stated): gnomAD exomes below 0.00001.
gnomAD v4.1: 1 of 1,614,070 alleles (0.000062%); highest among the groups gnomAD compares: South Asian, 0.0011%; no homozygotes.

Submissions (2):

Ambry Genetics
Classification: Uncertain significance for Hereditary cancer-predisposing syndrome. Last evaluated: 2024-10-15. Review status: criteria provided, single submitter. Criteria: Ambry Variant Classification Scheme 2023. Collection method: clinical testing. Allele origin: germline.
Comment: The p.E2272G variant (also known as c.6815A>G), located in coding exon 46 of the ATM gene, results from an A to G substitution at nucleotide position 6815. The glutamic acid at codon 2272 is replaced by glycine, an amino acid with similar properties. This amino acid position is highly conserved in available vertebrate species. In addition, this alteration is predicted to be deleterious by in silico analysis. Based on the available evidence, the clinical significance of this variant remains unclear.

Color Diagnostics, LLC DBA Color Health
Classification: Uncertain significance for Hereditary cancer-predisposing syndrome. Last evaluated: 2023-12-08. Review status: criteria provided, single submitter. Criteria: ACMG Guidelines, 2015. Collection method: clinical testing. Allele origin: germline.
Comment: This missense variant replaces glutamic acid with glycine at codon 2272 of the ATM protein. Computational prediction suggests that this variant may have deleterious impact on protein structure and function (internally defined REVEL score threshold >= 0.7, PMID: 27666373). To our knowledge, functional studies have not been reported for this variant. This variant has not been reported in individuals affected with ATM-related disorders in the literature. This variant has not been identified in the general population by the Genome Aggregation Database (gnomAD). The available evidence is insufficient to determine the role of this variant in disease conclusively. Therefore, this variant is classified as a Variant of Uncertain Significance.

NM_000051.4(ATM):c.6815A>G (p.Glu2272Gly)

Genes: ATM (ATM serine/threonine kinase; plus strand), C11orf65 (chromosome 11 open reading frame 65; minus strand). Cytogenetic location: 11q22.3.
Variant type: single nucleotide variant.
Coding change: c.6815A>G on transcript NM_000051.4 (MANE Select); coding-DNA position 6815, A replaced by G.
Protein change: p.Glu2272Gly; replaces glutamic acid 2272 with glycine.
Molecular consequence: missense variant. On other transcripts: intron variant (2).
Genome position (GRCh38, 1-based): chr11:108,326,065, A>G. VCF-style: chr11-108326065-A-G. GRCh37 (hg19) VCF-style: chr11-108196792-A-G.
Other names: c.6815A>G, p.Glu2272Gly (NM_001351834.2); c.641-16994T>C (NM_001330368.2); c.*38+9155T>C (NM_001351110.2); short protein forms E2272G.
Identifiers: ClinVar variation 629215 (VCV000629215.6), dbSNP rs1565520129, ClinGen allele CA382556459.